The following is an entry in ClinVar:

ClinVar aggregate classification (germline): Conflicting classifications of pathogenicity. Review status: criteria provided, conflicting classifications (1 of 4 stars). 4 submissions from 4 submitters: Uncertain significance (2); Likely benign (2). Last evaluated 2026-04-07.

Conditions:
PLEC-related disorder. Also called: PLEC-related condition; PLEC-related disorders.
Autosomal recessive limb-girdle muscular dystrophy type 2Q (LGMDR17). Also called: MUSCULAR DYSTROPHY, LIMB-GIRDLE, AUTOSOMAL RECESSIVE 17. Identifiers: Orphanet 254361, MedGen C3150989, MONDO:0013390, OMIM 613723.
Epidermolysis bullosa simplex 5B, with muscular dystrophy (EBS5B). Also called: EPIDERMOLYSIS BULLOSA SIMPLEX AND LIMB-GIRDLE MUSCULAR DYSTROPHY; Epidermolysis bullosa simplex with muscular dystrophy. Identifiers: Orphanet 257, MedGen C2931072, MONDO:0009181, OMIM 226670.
Epidermolysis bullosa simplex, Ogna type (EBS5A). Also called: Pidermolysis bullosa simplex 5A, Ogna type; EPIDERMOLYSIS BULLOSA SIMPLEX 5A, OGNA TYPE. Identifiers: Orphanet 79401, MedGen C0432317, MONDO:0007555, OMIM 131950.
Epidermolysis bullosa simplex with nail dystrophy (EBS5D). Identifiers: MedGen C4225309, MONDO:0014661, OMIM 616487.
Epidermolysis bullosa simplex 5C, with pyloric atresia (EBS5C). Also called: PLEC-Related Epidermolysis Bullosa with Pyloric Atresia; Epidermolysis bullosa simplex with pyloric atresia; PLEC1-Related Epidermolysis Bullosa with Pyloric Atresia. Identifiers: Orphanet 158684, MedGen C2677349, MONDO:0012807, OMIM 612138.

Allele frequency attached by ClinVar (database versions not stated): gnomAD 0.00001 and 0.00007; TOPMed 0.00003; gnomAD exomes 0.00018; ExAC 0.00021; 1000 Genomes Project 0.00060; 1000 Genomes Project 30x 0.00062.
gnomAD v4.1: 163 of 1,601,478 alleles (0.01%); highest among the groups gnomAD compares: South Asian, 0.12%; no homozygotes.

Submissions (4):

PreventionGenetics, part of Exact Sciences
Classification: Uncertain significance for PLEC-related condition. Last evaluated: 2026-04-07. Review status: criteria provided, single submitter. Criteria: ACMG Guidelines, 2015. Collection method: clinical testing. Allele origin: germline.
Comment: The PLEC c.3815G>A variant is predicted to result in the amino acid substitution p.Arg1272Gln. To our knowledge, this variant has not been reported in the literature. This variant is reported in 0.13% of alleles in individuals of South Asian descent in gnomAD, which may be too frequent to be a primary cause of disease. Although we suspect that this variant may be benign, at this time, the clinical significance of this variant is uncertain due to the absence of conclusive functional and genetic evidence.

Labcorp Genetics (formerly Invitae), Labcorp
Classification: Uncertain significance for Autosomal recessive limb-girdle muscular dystrophy type 2Q; Epidermolysis bullosa simplex, Ogna type; Epidermolysis bullosa simplex with nail dystrophy; Epidermolysis bullosa simplex 5C, with pyloric atresia; Epidermolysis bullosa simplex 5B, with muscular dystrophy. Last evaluated: 2024-09-06. Review status: criteria provided, single submitter. Criteria: Invitae Variant Classification Sherloc (09022015). Collection method: clinical testing. Allele origin: germline.
Comment: This sequence change replaces arginine, which is basic and polar, with glutamine, which is neutral and polar, at codon 1272 of the PLEC protein (p.Arg1272Gln). This variant is present in population databases (rs376541112, gnomAD 0.1%). This variant has not been reported in the literature in individuals affected with PLEC-related conditions. ClinVar contains an entry for this variant (Variation ID: 509889). Invitae Evidence Modeling of protein sequence and biophysical properties (such as structural, functional, and spatial information, amino acid conservation, physicochemical variation, residue mobility, and thermodynamic stability) indicates that this missense variant is not expected to disrupt PLEC protein function with a negative predictive value of 80%. In summary, the available evidence is currently insufficient to determine the role of this variant in disease. Therefore, it has been classified as a Variant of Uncertain Significance.

Revvity Omics, Revvity
Classification: Likely benign. Last evaluated: 2024-02-15. Review status: criteria provided, single submitter. Criteria: ACMG Guidelines, 2015. Collection method: clinical testing. Allele origin: germline.

GeneDx
Classification: Likely benign. Last evaluated: 2017-12-26. Review status: criteria provided, single submitter. Criteria: GeneDx Variant Classification (06012015). Collection method: clinical testing. Allele origin: germline. Affected: yes.
Comment: This variant is considered likely benign or benign based on one or more of the following criteria: it is a conservative change, it occurs at a poorly conserved position in the protein, it is predicted to be benign by multiple in silico algorithms, and/or has population frequency not consistent with disease.

NM_201384.3(PLEC):c.3734G>A (p.Arg1245Gln)

Gene: PLEC (plectin; minus strand). Cytogenetic location: 8q24.3.
Variant type: single nucleotide variant.
Coding change: c.3734G>A on transcript NM_201384.3 (MANE Select); coding-DNA position 3734, G replaced by A.
Protein change: p.Arg1245Gln; replaces arginine 1245 with glutamine.
Molecular consequence: missense variant.
Genome position (GRCh38, 1-based): chr8:143,927,432, C>T on the plus strand (G>A on the coding strand, the complement: PLEC is on the minus strand). VCF-style: chr8-143927432-C-T. GRCh37 (hg19) VCF-style: chr8-145001600-C-T.
Other names: c.3815G>A, p.Arg1272Gln (NM_000445.5); c.3692G>A, p.Arg1231Gln (NM_201378.4); c.3668G>A, p.Arg1223Gln (NM_201379.3); c.4145G>A, p.Arg1382Gln (NM_201380.4); c.3638G>A, p.Arg1213Gln (NM_201381.3); c.3734G>A, p.Arg1245Gln (NM_201382.4); c.3746G>A, p.Arg1249Gln (NM_201383.3); c.3815G>A (NM_000445.4); short protein forms R1213Q, R1223Q, R1231Q, R1245Q, R1249Q, R1272Q, R1382Q.
Identifiers: ClinVar variation 509889 (VCV000509889.9), dbSNP rs376541112, ClinGen allele CA4926969.